The following is an entry in ClinVar:

NM_001134673.4(NFIA):c.1008_1009dup (p.Ser337fs)

Gene: NFIA (nuclear factor I A; plus strand). Cytogenetic location: 1p31.3.
Variant type: Duplication.
Coding change: c.1008_1009dup on transcript NM_001134673.4 (MANE Select); coding-DNA positions 1008 to 1009, 2 bases duplicated (TT; older notation c.1008_1009dupTT).
Protein change: p.Ser337fs; shifts the reading frame from serine 337.
Molecular consequence: frameshift variant.
Genome position (GRCh38, 1-based): chr1:61,383,298-61,383,299, TT duplicated. VCF-style (leftmost placement, unchanged base first): chr1-61383297-C-CTT. GRCh37 (hg19) VCF-style: chr1-61848969-C-CTT.
Other names: c.984_985dup, p.Ser329fs (NM_001145511.2); c.1143_1144dup, p.Ser382fs (NM_001145512.2); c.1008_1009dup, p.Ser337fs (NM_005595.5); c.1008_1009dupTT (NM_005595.4); short protein forms S329fs, S382fs, S337fs.
Identifiers: ClinVar variation 452925 (VCV000452925.1), dbSNP rs1553180342, ClinGen allele CA658656938.

ClinVar aggregate classification (germline): Pathogenic (1 of 4 stars; one submission).

Submission:

GeneDx
Classification: Pathogenic. Last evaluated: 2017-10-24. Review status: criteria provided, single submitter. Criteria: GeneDx Variant Classification (06012015). Collection method: clinical testing. Allele origin: germline. Affected: yes.
Comment: The c.1008_1009dupTT variant in the NFIA gene has not been reported previously as a pathogenic variant nor as a benign variant, to our knowledge. This variant causes a frameshift starting with codon Serine 337, changes this amino acid to a Phenylalanine residue, and creates a premature Stop codon at position 61 of the new reading frame, denoted p.Ser337PhefsX61. This variant is predicted to cause loss of normal protein function either through protein truncation or nonsense-mediated mRNA decay. The c.1008_1009dupTT variant is not observed in large population cohorts (Lek et al., 2016). / We interpret c.1008_1009dupTT as a pathogenic variant.